The following is an entry in ClinVar:

NM_016816.4(OAS1):c.470-1G>A

Gene: OAS1 (2'-5'-oligoadenylate synthetase 1; plus strand). Cytogenetic location: 12q24.13.
Variant type: single nucleotide variant.
Coding change: c.470-1G>A on transcript NM_016816.4 (MANE Select); the canonical splice acceptor site of the intron before coding-DNA position 470, G replaced by A.
Molecular consequence: splice acceptor variant. On other transcripts: intron variant (9).
Genome position (GRCh38, 1-based): chr12:112,911,050, G>A. VCF-style: chr12-112911050-G-A. GRCh37 (hg19) VCF-style: chr12-113348855-G-A.
Other names: c.470-1G>A (NM_001320151.2, NM_001406022.1, NM_001032409.3 and 1 more transcripts); c.470-48G>A (NM_001406025.1, NM_001406024.1, NM_001406023.1 and 2 more transcripts); c.180+3831G>A (NM_001406030.1, NM_001406029.1, NM_001406027.1 and 1 more transcripts).
Identifiers: ClinVar variation 4882820 (VCV004882820.2).

ClinVar aggregate classification (germline): Uncertain significance (1 of 4 stars; one submission).

Submission:

Dasa
Classification: Uncertain significance. Last evaluated: 2024-12-05. Review status: criteria provided, single submitter. Criteria: DASA Assertion Criteria. Collection method: clinical testing. Allele origin: germline.
Comment: NM_016816.4(OAS1):c.470-1G>A affects a canonical splice site and is predicted to disrupt normal RNA splicing. This variant is rare in population databases. The currently available literature and clinical evidence are not sufficient to establish a definitive association between this variant and the reported condition. Therefore, this variant is classified as a variant of uncertain significance.